The following is an entry in ClinVar:

NM_014804.3(KIAA0753):c.1891A>T (p.Lys631Ter)

Gene: KIAA0753 (KIAA0753; minus strand). Cytogenetic location: 17p13.1.
Variant type: single nucleotide variant.
Coding change: c.1891A>T on transcript NM_014804.3 (MANE Select); coding-DNA position 1891, A replaced by T.
Protein change: p.Lys631Ter; replaces lysine 631 with a stop codon.
Molecular consequence: nonsense. On other transcripts: non-coding transcript variant (3).
Genome position (GRCh38, 1-based): chr17:6,607,209, T>A on the plus strand (A>T on the coding strand, the complement: KIAA0753 is on the minus strand). VCF-style: chr17-6607209-T-A. GRCh37 (hg19) VCF-style: chr17-6510529-T-A.
Other names: c.994A>T, p.Lys332Ter (NM_001351225.2); short protein forms K631*, K332*.
Identifiers: ClinVar variation 254661 (VCV000254661.18), dbSNP rs886038200, ClinGen allele CA10586689.
Genomic context (GRCh38, chr17:6,607,209, plus strand): 5'-TACCTTTTCCTAACTCAGAAGCAAATATTTACCTCTGTTTTTGCATGCTGTCAATTTCCT[T>A]GGCTTTTAACTCTTCTAGTTCCTTCAATCTTTTGGAAGTTTCAGCATCAAGCCAAGCGAG-3'

ClinVar aggregate classification (germline): Pathogenic/Likely pathogenic. Review status: criteria provided, multiple submitters, no conflicts (2 of 4 stars). 6 submissions from 6 submitters: Pathogenic (4); Likely pathogenic (1). 1 of the submissions does not count toward it. Last evaluated 2026-04-09.

Conditions:
Autosomal recessive KIAA0753-related disorders.
Joubert syndrome 38. Identifiers: MedGen C5561958, MONDO:0030353, OMIM 619476.
Orofaciodigital syndrome XV (OFD15). Also called: OFDS XV; ORAL-FACIAL-DIGITAL SYNDROME, TYPE XV. Identifiers: MedGen C4310701, MONDO:0014932, OMIM 617127.

Allele frequency attached by ClinVar (database versions not stated): gnomAD exomes 0.00001 and 0.00002; TOPMed 0.00001.
gnomAD v4.1: 35 of 1,614,044 alleles (0.0022%); highest among the groups gnomAD compares: Non-Finnish European, 0.0028%; no homozygotes.

Submissions (6):

GeneDx
Classification: Pathogenic. Last evaluated: 2026-04-09. Review status: criteria provided, single submitter. Criteria: GeneDx Variant Classification Process June 2021. Collection method: clinical testing. Allele origin: germline.
Comment: Observed with a splice site variant (c.1546-3 C>A) in a newborn in published literature with oral-facial-digital syndrome, but it is not known whether the variants occurred on the same (in cis) or on different (in trans) chromosomes as the c.1546-3 C>A variant occurred apparently de novo (PMID: 26643951); Published functional studies demonstrate in vitro expression of variant p.(K631*) produces a truncated protein that is defective in ciliogenesis (PMID: 34523780); Nonsense variant predicted to result in protein truncation or nonsense mediated decay in a gene for which loss of function is a known mechanism of disease; Not observed at significant frequency in large population cohorts (gnomAD); This variant is associated with the following publications: (PMID: 28289185, 37291213, 34523780, 26643951)

Variantyx, Inc.
Classification: Likely pathogenic for Autosomal recessive KIAA0753-related disorders. Last evaluated: 2025-08-19. Review status: criteria provided, single submitter. Criteria: Variantyx Assertion Criteria 2022. Collection method: clinical testing. Allele origin: germline. Inheritance: Autosomal recessive inheritance. Affected: no.
Comment: This is a nonsense variant in the KIAA0753 gene (OMIM: 617112). Pathogenic variants in this gene have been associated with autosomal recessive KIAA0753-related disorders. This variant introduces a premature termination codon in exon 11 out of 19 and is expected to result in loss of function, which is a known disease mechanism for KIAA0753 in these disorders (PMID: 29138412, 34523780) (PVS1). This variant has a 0.0030% maximum allele frequency in non-founder control populations (PM2). It has been reported in at least one affected individual who carried a second variant in this gene; however, the phase of these variants could not be determined (PMID: 34523780). Based on the current evidence, this variant is classified as likely pathogenic for autosomal recessive KIAA0753-related disorders.

Labcorp Genetics (formerly Invitae), Labcorp
Classification: Pathogenic. Last evaluated: 2023-08-10. Review status: criteria provided, single submitter. Criteria: Invitae Variant Classification Sherloc (09022015). Collection method: clinical testing. Allele origin: germline.
Comment: This premature translational stop signal has been observed in individual(s) with KIAA0753-related conditions (PMID: 26643951). This variant is present in population databases (no rsID available, gnomAD 0.002%). This sequence change creates a premature translational stop signal (p.Lys631*) in the KIAA0753 gene. It is expected to result in an absent or disrupted protein product. Loss-of-function variants in KIAA0753 are known to be pathogenic (PMID: 29138412). ClinVar contains an entry for this variant (Variation ID: 254661). For these reasons, this variant has been classified as Pathogenic. Algorithms developed to predict the effect of sequence changes on RNA splicing suggest that this variant may disrupt the consensus splice site.

Victorian Clinical Genetics Services, Murdoch Childrens Research Institute
Classification: Pathogenic for Joubert syndrome 38. Last evaluated: 2022-02-02. Review status: criteria provided, single submitter. Criteria: ACMG Guidelines, 2015. Collection method: clinical testing. Allele origin: germline. Inheritance: Autosomal recessive inheritance. Affected: yes.
Comment: Based on the classification scheme VCGS_Germline_v1.3.4, this variant is classified as Pathogenic. Following criteria are met: 0102 - Loss of function is a known mechanism of disease in this gene and is associated with Joubert syndrome 38 (MIM#619476). (I) 0106 - This gene is associated with autosomal recessive disease. (I) 0201 - Variant is predicted to cause nonsense-mediated decay (NMD) and loss of protein (premature termination codon is located at least 54 nucleotides upstream of the final exon-exon junction). (SP) 0251 - This variant is heterozygous. (I) 0304 - Variant is present in gnomAD <0.01 for a recessive condition (v2: 2 heterozygotes, 0 homozygotes). (SP) 0702 - Other premature termination variants comparable to the one identified in this case have strong previous evidence for pathogenicity. Multiple NMD-predicted variants have been reported in affected individuals and as likely pathogenic/pathogenic (PMID: 34523780, ClinVar). (SP) 0803 - This variant has limited previous evidence of pathogenicity in unrelated individuals. It has been reported as probably compound heterozygous with NM_014804.2:c.1546-3C>A in an individual with OFD syndrome type VI (PMID:26643951) and as pathogenic once in ClinVar. (SP) 0905 - No published segregation evidence has been identified for this variant. (I) 1002 - This variant has moderate functional evidence supporting abnormal protein function. The KIAA0753 protein was hardly detectable in the immortalised cells of an individual who also has a splice variant. The recruitment of its partner proteins onto the centrosomes was also reduced (PMID:26643951). (SP) 1102 - Strong phenotype match for this individual. (I) Legend: (SP) - Supporting pathogenic, (I) - Information, (SB) - Supporting benign

ARUP Laboratories, Molecular Genetics and Genomics, ARUP Laboratories
Classification: Pathogenic. Last evaluated: 2017-04-08. Review status: criteria provided, single submitter. Criteria: ARUP Molecular Germline Variant Investigation Process. Collection method: clinical testing. Allele origin: germline.

OMIM
Classification: Pathogenic for OROFACIODIGITAL SYNDROME XV (1 patient). Last evaluated: 2016-09-22. Review status: no assertion criteria provided. Collection method: literature only. Allele origin: germline. Not counted in ClinVar's aggregate classification.

Literature cited by the submitters: PubMed 29138412 (cited by Variantyx, Inc. and Labcorp Genetics (formerly Invitae), Labcorp); PubMed 34523780 (cited by Variantyx, Inc. and Victorian Clinical Genetics Services, Murdoch Childrens Research Institute); PubMed 26643951 (cited by 4 submitters).